The following is an entry in ClinVar:

NM_004557.4(NOTCH4):c.731C>T (p.Ser244Leu)

Gene: NOTCH4 (notch receptor 4; minus strand). Cytogenetic location: 6p21.32.
Variant type: single nucleotide variant.
Coding change: c.731C>T on transcript NM_004557.4 (MANE Select); coding-DNA position 731, C replaced by T.
Protein change: p.Ser244Leu; replaces serine 244 with leucine.
Molecular consequence: missense variant. On other transcripts: non-coding transcript variant (2).
Genome position (GRCh38, 1-based): chr6:32,221,046, G>A on the plus strand (C>T on the coding strand, the complement: NOTCH4 is on the minus strand). VCF-style: chr6-32221046-G-A. GRCh37 (hg19) VCF-style: chr6-32188823-G-A.
Other names: short protein forms S244L.
Identifiers: ClinVar variation 1232512 (VCV001232512.3), dbSNP rs8192585, ClinGen allele CA3740178.

ClinVar aggregate classification (germline): Benign (1 of 4 stars; one submission).

Allele frequency attached by ClinVar (database versions not stated): 1000 Genomes Project 0.02216; 1000 Genomes Project 30x 0.02374; ESP Exome Variant Server 0.03069; TOPMed 0.03079; gnomAD 0.03516 and 0.03528; gnomAD exomes 0.03568 and 0.04204; ExAC 0.03578.
gnomAD v4.1: 66,157 of 1,611,614 alleles (4.1%); highest among the groups gnomAD compares: Non-Finnish European, 4.5%; 1,522 homozygotes.

Submission:

GeneDx
Classification: Benign. Last evaluated: 2021-05-04. Review status: criteria provided, single submitter. Criteria: GeneDx Variant Classification Process June 2021. Collection method: clinical testing. Allele origin: germline. Affected: yes.
Comment: This variant is associated with the following publications: (PMID: 19197363)